The following is an entry in ClinVar:

ClinVar aggregate classification (germline): Uncertain significance (1 of 4 stars; one submission).

Allele frequency attached by ClinVar (database versions not stated): TOPMed below 0.00001.

Submission:

Labcorp Genetics (formerly Invitae), Labcorp
Classification: Uncertain significance. Last evaluated: 2022-03-17. Review status: criteria provided, single submitter. Criteria: Invitae Variant Classification Sherloc (09022015). Collection method: clinical testing. Allele origin: germline.
Comment: This sequence change replaces arginine, which is basic and polar, with lysine, which is basic and polar, at codon 125 of the ANG protein (p.Arg125Lys). This variant is not present in population databases (gnomAD no frequency). This variant has not been reported in the literature in individuals affected with ANG-related conditions. Algorithms developed to predict the effect of missense changes on protein structure and function (SIFT, PolyPhen-2, Align-GVGD) all suggest that this variant is likely to be disruptive. In summary, the available evidence is currently insufficient to determine the role of this variant in disease. Therefore, it has been classified as a Variant of Uncertain Significance.

NM_001097577.3(ANG):c.374G>A (p.Arg125Lys)

Genes: ANG (angiogenin; plus strand), EGILA (EGFR interacting lncRNA; minus strand), RNASE4 (ribonuclease A family member 4; plus strand). Cytogenetic location: 14q11.2.
Variant type: single nucleotide variant.
Coding change: c.374G>A on transcript NM_001097577.3 (MANE Select); coding-DNA position 374, G replaced by A.
Protein change: p.Arg125Lys; replaces arginine 125 with lysine.
Molecular consequence: missense variant. On other transcripts: intron variant (4).
Genome position (GRCh38, 1-based): chr14:20,693,938, G>A. VCF-style: chr14-20693938-G-A. GRCh37 (hg19) VCF-style: chr14-21162097-G-A.
Other names: c.374G>A, p.Arg125Lys (NM_001145.4, NM_001385271.1, NM_001385272.1 and 2 more transcripts); c.-18+288G>A (NM_001282192.2); c.-17-5417G>A (NM_002937.5, NM_001282193.2); c.-18+5064G>A (NM_194431.3); short protein forms R125K.
Identifiers: ClinVar variation 1930811 (VCV001930811.5), dbSNP rs1255934607, ClinGen allele CA389116984.